The following is an entry in ClinVar:

ClinVar aggregate classification (germline): Pathogenic. Review status: criteria provided, multiple submitters, no conflicts (2 of 4 stars). 2 submissions from 2 submitters: Pathogenic (2). Last evaluated 2025-04-04.

Conditions:
Hereditary cancer-predisposing syndrome. Also called: Tumor predisposition; Hereditary Cancer Syndrome; Neoplastic Syndromes, Hereditary; Hereditary neoplastic syndrome. Identifiers: Orphanet 140162, MedGen C0027672, MeSH D009386, MONDO:0015356.
Lynch syndrome 5 (LYNCH5). Also called: Colorectal cancer, hereditary nonpolyposis, type 5; Hereditary non-polyposis colorectal cancer, type 5. Identifiers: Orphanet 144, MedGen C1833477, MONDO:0013710, OMIM 614350. Disease mechanism: loss of function.

Submissions (2):

Myriad Genetics, Inc.
Classification: Pathogenic for Lynch syndrome 5. Last evaluated: 2025-04-04. Review status: criteria provided, single submitter. Criteria: Myriad Autosomal Dominant, Autosomal Recessive and X-Linked Classification Criteria (2023). Collection method: clinical testing. Allele origin: unknown.
Comment: This variant is considered pathogenic. This variant creates a frameshift predicted to result in premature protein truncation.

Ambry Genetics
Classification: Pathogenic for Hereditary cancer-predisposing syndrome. Last evaluated: 2020-04-22. Review status: criteria provided, single submitter. Criteria: Ambry Variant Classification Scheme 2023. Collection method: clinical testing. Allele origin: germline.
Comment: The c.2768delA pathogenic mutation, located in coding exon 4 of the MSH6 gene, results from a deletion of one nucleotide at nucleotide position 2768, causing a translational frameshift with a predicted alternate stop codon (p.K923Rfs*22). This alteration is expected to result in loss of function by premature protein truncation or nonsense-mediated mRNA decay. As such, this alteration is interpreted as a disease-causing mutation.

NM_000179.3(MSH6):c.2768del (p.Lys923fs)

Gene: MSH6 (mutS homolog 6; plus strand). Cytogenetic location: 2p16.3.
Variant type: Deletion.
Coding change: c.2768del on transcript NM_000179.3 (MANE Select); coding-DNA position 2768, one base deleted (A; older notation c.2768delA).
Protein change: p.Lys923fs; shifts the reading frame from lysine 923.
Molecular consequence: frameshift variant.
Genome position (GRCh38, 1-based): chr2:47,800,751, A deleted; the last of 3 consecutive A bases (chr2:47,800,749-47,800,751); deleting any one gives the same sequence. VCF-style (leftmost placement, unchanged base first): chr2-47800748-GA-G. GRCh37 (hg19) VCF-style: chr2-48027887-GA-G.
Other names: c.2378del, p.Lys793fs (NM_001281492.2); c.1862del, p.Lys621fs (NM_001281493.2, NM_001281494.2); c.2864delA, p.Lys955Argfs (NM_001406795.1, NM_001406802.1); c.2768delA, p.Lys923Argfs (NM_001406796.1, NM_001406798.1, NM_001406800.1 and 2 more transcripts); c.2471delA, p.Lys824Argfs (NM_001406797.1, NM_001406801.1, NM_001406805.1 and 10 more transcripts); c.2243delA, p.Lys748Argfs (NM_001406799.1, NM_001406806.1, NM_001406807.1); c.2690delA, p.Lys897Argfs (NM_001406804.1); c.1862delA, p.Lys621Argfs (NM_001406811.1, NM_001406812.1, NM_001406814.1 and 4 more transcripts); and 3 more; short protein forms K923fs, K793fs, K621fs.
Identifiers: ClinVar variation 1795763 (VCV001795763.3), dbSNP rs267608063, ClinGen allele CA2576961639.